The following is an entry in ClinVar:

NM_000432.4(MYL2):c.227C>T (p.Pro76Leu)

Gene: MYL2 (myosin light chain 2; minus strand). Cytogenetic location: 12q24.11.
Variant type: single nucleotide variant.
Coding change: c.227C>T on transcript NM_000432.4 (MANE Select); coding-DNA position 227, C replaced by T.
Protein change: p.Pro76Leu; replaces proline 76 with leucine.
Molecular consequence: missense variant.
Genome position (GRCh38, 1-based): chr12:110,914,233, G>A on the plus strand (C>T on the coding strand, the complement: MYL2 is on the minus strand). VCF-style: chr12-110914233-G-A. GRCh37 (hg19) VCF-style: chr12-111352037-G-A.
Other names: c.185C>T, p.Pro62Leu (NM_001406745.1); c.170C>T, p.Pro57Leu (NM_001406916.1); short protein forms P57L, P62L, P76L.
Identifiers: ClinVar variation 3372493 (VCV003372493.1).

ClinVar aggregate classification (germline): Uncertain significance (1 of 4 stars; one submission).

Submission:

GeneDx
Classification: Uncertain significance. Last evaluated: 2024-04-12. Review status: criteria provided, single submitter. Criteria: GeneDx Variant Classification Process June 2021. Collection method: clinical testing. Allele origin: germline. Affected: yes.
Comment: Not observed at significant frequency in large population cohorts (gnomAD); In silico analysis supports that this missense variant has a deleterious effect on protein structure/function; Has not been previously published as pathogenic or benign to our knowledge